The following is an entry in ClinVar:

NM_002439.5(MSH3):c.609T>G (p.Phe203Leu)

Gene: MSH3 (mutS homolog 3; plus strand). Cytogenetic location: 5q14.1.
Variant type: single nucleotide variant.
Coding change: c.609T>G on transcript NM_002439.5 (MANE Select); coding-DNA position 609, T replaced by G.
Protein change: p.Phe203Leu; replaces phenylalanine 203 with leucine.
Molecular consequence: missense variant.
Genome position (GRCh38, 1-based): chr5:80,670,126, T>G. VCF-style: chr5-80670126-T-G. GRCh37 (hg19) VCF-style: chr5-79965945-T-G.
Other names: short protein forms F203L.
Identifiers: ClinVar variation 3572212 (VCV003572212.1).

ClinVar aggregate classification (germline): Uncertain significance (1 of 4 stars; one submission).

Submission:

Quest Diagnostics Nichols Institute San Juan Capistrano
Classification: Uncertain significance. Last evaluated: 2024-05-15. Review status: criteria provided, single submitter. Criteria: Quest Diagnostics criteria. Collection method: clinical testing. Allele origin: unknown.
Comment: The MSH3 c.609T>G (p.Phe203Leu) variant has not been reported in individuals with MSH3-related conditions in the published literature. It also has not been reported in large, multi-ethnic general populations (Genome Aggregation Database). Analysis of this variant using bioinformatics tools for the prediction of the effect of amino acid changes on protein structure and function yielded predictions that this variant is benign. Based on the available information, we are unable to determine the clinical significance of this variant.